The following is an entry in ClinVar:

ClinVar aggregate classification (germline): Uncertain significance (1 of 4 stars; one submission).

gnomAD v4.1: 3 of 1,608,550 alleles (0.00019%); highest among the groups gnomAD compares: Admixed American, 0.0017%; no homozygotes.

Submission:

Labcorp Genetics (formerly Invitae), Labcorp
Classification: Uncertain significance. Last evaluated: 2025-11-27. Review status: criteria provided, single submitter. Criteria: Invitae Variant Classification Sherloc (09022015). Collection method: clinical testing. Allele origin: germline.
Comment: This sequence change replaces valine, which is neutral and non-polar, with isoleucine, which is neutral and non-polar, at codon 627 of the CFH protein (p.Val627Ile). This variant is present in population databases (no rsID available, gnomAD 0.003%). This variant has not been reported in the literature in individuals affected with CFH-related conditions. An algorithm developed to predict the effect of missense changes on protein structure and function (PolyPhen-2) suggests that this variant is likely to be disruptive. In summary, the available evidence is currently insufficient to determine the role of this variant in disease. Therefore, it has been classified as a Variant of Uncertain Significance.

NM_000186.4(CFH):c.1879G>A (p.Val627Ile)

Gene: CFH (complement factor H; plus strand). Cytogenetic location: 1q31.3.
Variant type: single nucleotide variant.
Coding change: c.1879G>A on transcript NM_000186.4 (MANE Select); coding-DNA position 1879, G replaced by A.
Protein change: p.Val627Ile; replaces valine 627 with isoleucine.
Molecular consequence: missense variant.
Genome position (GRCh38, 1-based): chr1:196,726,475, G>A. VCF-style: chr1-196726475-G-A. GRCh37 (hg19) VCF-style: chr1-196695605-G-A.
Other names: short protein forms V627I.
Identifiers: ClinVar variation 4769743 (VCV004769743.1).
Genomic context (GRCh38, chr1:196,726,475, plus strand): 5'-TTTATATTGTAAAACAGACAATTTAACCATTATTTACATAGTATTTCTACTATAGAGCAA[G>A]TACAATCATGTGGTCCACCTCCTGAACTCCTCAATGGGAATGTTAAGGAAAAAACGAAAG-3'
Protein context (NP_000177.2, residues 617-637): SPDLPICKEQ[Val627Ile]QSCGPPPELL